The following is an entry in ClinVar:

NM_001387430.1(SH2B1):c.146T>A (p.Leu49Gln)

Gene: SH2B1 (SH2B adaptor protein 1; plus strand). Cytogenetic location: 16p11.2.
Variant type: single nucleotide variant.
Coding change: c.146T>A on transcript NM_001387430.1 (MANE Select); coding-DNA position 146, T replaced by A.
Protein change: p.Leu49Gln; replaces leucine 49 with glutamine.
Molecular consequence: missense variant. On other transcripts: intron variant (1).
Genome position (GRCh38, 1-based): chr16:28,866,240, T>A. VCF-style: chr16-28866240-T-A. GRCh37 (hg19) VCF-style: chr16-28877561-T-A.
Other names: c.146T>A, p.Leu49Gln (NM_001145795.2, NM_001145796.2, NM_001145797.2 and 4 more transcripts); c.-26-1134T>A (NM_001308294.2); short protein forms L49Q.
Identifiers: ClinVar variation 2634203 (VCV002634203.4), dbSNP rs779704156, ClinGen allele CA7985861.

ClinVar aggregate classification (germline): Uncertain significance. Review status: criteria provided, single submitter (1 of 4 stars). 2 submissions from 2 submitters: Uncertain significance (1). 1 of the submissions does not count toward it. Last evaluated 2025-04-14.

Conditions:
SH2B1-related disorder. Also called: SH2B1-related condition.

Allele frequency attached by ClinVar (database versions not stated): gnomAD 0.00003; TOPMed 0.00003; gnomAD exomes 0.00005; ExAC 0.00012.
gnomAD v4.1: 36 of 1,602,086 alleles (0.0022%); highest among the groups gnomAD compares: Admixed American, 0.06%; no homozygotes.

Submissions (2):

Labcorp Genetics (formerly Invitae), Labcorp
Classification: Uncertain significance. Last evaluated: 2025-04-14. Review status: criteria provided, single submitter. Criteria: Invitae Variant Classification Sherloc (09022015). Collection method: clinical testing. Allele origin: germline.
Comment: This sequence change replaces leucine, which is neutral and non-polar, with glutamine, which is neutral and polar, at codon 49 of the SH2B1 protein (p.Leu49Gln). This variant is present in population databases (rs779704156, gnomAD 0.07%), and has an allele count higher than expected for a pathogenic variant. This variant has not been reported in the literature in individuals affected with SH2B1-related conditions. ClinVar contains an entry for this variant (Variation ID: 2634203). An algorithm developed to predict the effect of missense changes on protein structure and function (PolyPhen-2) suggests that this variant is likely to be disruptive. In summary, the available evidence is currently insufficient to determine the role of this variant in disease. Therefore, it has been classified as a Variant of Uncertain Significance.

PreventionGenetics, part of Exact Sciences
Classification: Uncertain significance for SH2B1-related condition. Last evaluated: 2024-07-11. Review status: no assertion criteria provided. Collection method: clinical testing. Allele origin: germline. Not counted in ClinVar's aggregate classification.
Comment: The SH2B1 c.146T>A variant is predicted to result in the amino acid substitution p.Leu49Gln. To our knowledge, this variant has not been reported in the literature. This variant is reported in 0.074% of alleles in individuals of Latino descent in gnomAD, which is likely too common for an undocumented disease-causing variant. Although we suspect that this variant may be benign, at this time, the clinical significance of this variant is uncertain due to the absence of conclusive functional and genetic evidence.